The following is an entry in ClinVar:

ClinVar aggregate classification (germline): Benign. Review status: criteria provided, single submitter (1 of 4 stars). 3 submissions from 1 submitter: Benign (3). Last evaluated 2018-01-13.

Conditions:
Pallister-Hall syndrome (PHS). Also called: HYPOTHALAMIC HAMARTOBLASTOMA, HYPOPITUITARISM, IMPERFORATE ANUS, AND POSTAXIAL POLYDACTYLY; GLI3-Related Pallister-Hall Syndrome. Identifiers: Orphanet 672, MedGen C0265220, MONDO:0007804, OMIM 146510.
Greig cephalopolysyndactyly syndrome (GCPS). Also called: POLYSYNDACTYLY WITH PECULIAR SKULL SHAPE; Greig syndrome; GLI3-Related Greig Cephalopolysyndactyly Syndrome. Identifiers: Orphanet 380, MedGen C0265306, MONDO:0008287, OMIM 175700.
Polydactyly. Also called: polydactylism. Identifiers: MedGen C0152427, MONDO:0021003, OMIM 603596, HP:0010442.

Allele frequency attached by ClinVar (database versions not stated): gnomAD 0.00092; TOPMed 0.00151; 1000 Genomes Project 30x 0.00312; 1000 Genomes Project 0.00379.

Submissions (3):

Illumina Laboratory Services, Illumina
Classification: Benign for Polydactyly. Last evaluated: 2018-01-13. Review status: criteria provided, single submitter. Criteria: ICSL Variant Classification Criteria 13 December 2019. Collection method: clinical testing. Allele origin: germline.
Comment: This variant was observed in the ICSL laboratory as part of a predisposition screen in an ostensibly healthy population. It had not been previously curated by ICSL or reported in the Human Gene Mutation Database (HGMD: prior to June 1st, 2018), and was therefore a candidate for classification through an automated scoring system. Utilizing variant allele frequency, disease prevalence and penetrance estimates, and inheritance mode, an automated score was calculated to assess if this variant is too frequent to cause the disease. Based on the score and internal cut-off values, a variant classified as benign is not then subjected to further curation. The score for this variant resulted in a classification of benign for this disease.

Illumina Laboratory Services, Illumina
Classification: Benign for Greig cephalopolysyndactyly syndrome. Last evaluated: 2018-01-13. Review status: criteria provided, single submitter. Criteria: ICSL Variant Classification Criteria 13 December 2019. Collection method: clinical testing. Allele origin: germline.
Comment: the same text as in the submission from Illumina Laboratory Services, Illumina above.

Illumina Laboratory Services, Illumina
Classification: Benign for Pallister-Hall syndrome. Last evaluated: 2018-01-13. Review status: criteria provided, single submitter. Criteria: ICSL Variant Classification Criteria 13 December 2019. Collection method: clinical testing. Allele origin: germline.
Comment: the same text as in the submission from Illumina Laboratory Services, Illumina above.

NM_000168.6(GLI3):c.*943G>A

Gene: GLI3 (GLI family zinc finger 3; minus strand). Cytogenetic location: 7p14.1.
Variant type: single nucleotide variant.
Coding change: c.*943G>A on transcript NM_000168.6 (MANE Select); 943 bases downstream of the stop codon, G replaced by A.
Molecular consequence: 3 prime UTR variant.
Genome position (GRCh38, 1-based): chr7:41,963,387, C>T on the plus strand (G>A on the coding strand, the complement: GLI3 is on the minus strand). VCF-style: chr7-41963387-C-T. GRCh37 (hg19) VCF-style: chr7-42002985-C-T.
Identifiers: ClinVar variation 360200 (VCV000360200.5), dbSNP rs139782938, ClinGen allele CA10629072.